The following is an entry in ClinVar:

ClinVar aggregate classification (germline): Likely benign (0 of 4 stars; one submission).

Conditions:
TNS2-related disorder. Also called: TNS2-related condition.

Allele frequency attached by ClinVar (database versions not stated): gnomAD 0.00009; gnomAD exomes 0.00009; TOPMed 0.00013; ExAC 0.00054.
gnomAD v4.1: 137 of 1,506,880 alleles (0.0091%); highest among the groups gnomAD compares: East Asian, 0.32%; no homozygotes.

Submission:

PreventionGenetics, part of Exact Sciences
Classification: Likely benign for TNS2-related condition. Last evaluated: 2023-11-01. Review status: no assertion criteria provided. Collection method: clinical testing. Allele origin: germline.
Comment: This variant is classified as likely benign based on ACMG/AMP sequence variant interpretation guidelines (Richards et al. 2015 PMID: 25741868, with internal and published modifications).

NM_170754.4(TNS2):c.1808G>A (p.Gly603Glu)

Gene: TNS2 (tensin 2; plus strand). Cytogenetic location: 12q13.13.
Variant type: single nucleotide variant.
Coding change: c.1808G>A on transcript NM_170754.4 (MANE Select); coding-DNA position 1808, G replaced by A.
Protein change: p.Gly603Glu; replaces glycine 603 with glutamic acid.
Molecular consequence: missense variant.
Genome position (GRCh38, 1-based): chr12:53,059,449, G>A. VCF-style: chr12-53059449-G-A. GRCh37 (hg19) VCF-style: chr12-53453233-G-A.
Other names: c.1808G>A, p.Gly603Glu (NM_001416202.1); c.1766G>A, p.Gly589Glu (NM_001416203.1); c.1835G>A, p.Gly612Glu (NM_001416204.1); c.1739G>A, p.Gly580Glu (NM_015319.3); c.1436G>A, p.Gly479Glu (NM_198316.2); short protein forms G479E, G580E, G589E, G603E, G612E.
Identifiers: ClinVar variation 3054752 (VCV003054752.2), dbSNP rs754706125, ClinGen allele CA6592453.